The following is an entry in ClinVar:

ClinVar aggregate classification (germline): Benign (1 of 4 stars; one submission).

Allele frequency attached by ClinVar (database versions not stated): gnomAD 0.12117 and 0.12701; TOPMed 0.12492; 1000 Genomes Project 30x 0.15225; 1000 Genomes Project 0.15695.
gnomAD v4.1: 19,420 of 152,166 alleles (13%); highest among the groups gnomAD compares: South Asian, 27%; 1,509 homozygotes.

Submission:

GeneDx
Classification: Benign. Last evaluated: 2018-06-20. Review status: criteria provided, single submitter. Criteria: GeneDx Variant Classification (06012015). Collection method: clinical testing. Allele origin: germline. Affected: yes.
Comment: This variant is considered likely benign or benign based on one or more of the following criteria: it is a conservative change, it occurs at a poorly conserved position in the protein, it is predicted to be benign by multiple in silico algorithms, and/or has population frequency not consistent with disease.

NM_024577.4(SH3TC2):c.529+178C>T

Gene: SH3TC2 (SH3 domain and tetratricopeptide repeats 2; minus strand). Cytogenetic location: 5q32.
Variant type: single nucleotide variant.
Coding change: c.529+178C>T on transcript NM_024577.4 (MANE Select); 178 bases into the intron after coding-DNA position 529, C replaced by T.
Molecular consequence: intron variant.
Genome position (GRCh38, 1-based): chr5:149,042,516, G>A on the plus strand (C>T on the coding strand, the complement: SH3TC2 is on the minus strand). VCF-style: chr5-149042516-G-A. GRCh37 (hg19) VCF-style: chr5-148422079-G-A.
Identifiers: ClinVar variation 670071 (VCV000670071.1), dbSNP rs17795277, ClinGen allele CA15394129.